The following is an entry in ClinVar:

ClinVar aggregate classification (germline): Conflicting classifications of pathogenicity. Review status: criteria provided, conflicting classifications (1 of 4 stars). 2 submissions from 2 submitters: Uncertain significance (1); Likely benign (1). Last evaluated 2025-04-13.

Conditions:
Inborn genetic diseases. Identifiers: MedGen C0950123, MeSH D030342.

gnomAD v4.1: 3 of 1,211,655 alleles (0.00025%); highest among the groups gnomAD compares: South Asian, 0.0035%; no homozygotes.

Submissions (2):

Labcorp Genetics (formerly Invitae), Labcorp
Classification: Uncertain significance. Last evaluated: 2025-04-13. Review status: criteria provided, single submitter. Criteria: Invitae Variant Classification Sherloc (09022015). Collection method: clinical testing. Allele origin: germline.
Comment: This sequence change replaces methionine, which is neutral and non-polar, with isoleucine, which is neutral and non-polar, at codon 462 of the MID1 protein (p.Met462Ile). This variant is present in population databases (no rsID available, gnomAD 0.01%), including at least one homozygous and/or hemizygous individual. This variant has not been reported in the literature in individuals affected with MID1-related conditions. An algorithm developed to predict the effect of missense changes on protein structure and function outputs the following: PolyPhen-2: "Benign". The isoleucine amino acid residue is found in multiple mammalian species, which suggests that this missense change does not adversely affect protein function. In summary, the available evidence is currently insufficient to determine the role of this variant in disease. Therefore, it has been classified as a Variant of Uncertain Significance.

Ambry Genetics
Classification: Likely benign for Inborn genetic diseases. Last evaluated: 2025-01-09. Review status: criteria provided, single submitter. Criteria: Ambry Variant Classification Scheme 2023. Collection method: clinical testing. Allele origin: germline.

NM_000381.4(MID1):c.1386G>A (p.Met462Ile)

Gene: MID1 (midline 1; minus strand). Cytogenetic location: Xp22.2.
Variant type: single nucleotide variant.
Coding change: c.1386G>A on transcript NM_000381.4 (MANE Select); coding-DNA position 1386, G replaced by A.
Protein change: p.Met462Ile; replaces methionine 462 with isoleucine.
Molecular consequence: missense variant.
Genome position (GRCh38, 1-based): chrX:10,459,707, C>T on the plus strand (G>A on the coding strand, the complement: MID1 is on the minus strand). VCF-style: chrX-10459707-C-T. GRCh37 (hg19) VCF-style: chrX-10427747-C-T.
Other names: c.1386G>A, p.Met462Ile (NM_001098624.2, NM_001193277.1, NM_001347733.2 and 1 more transcripts); c.1272G>A, p.Met424Ile (NM_033289.2); short protein forms M462I, M424I.
Identifiers: ClinVar variation 3872984 (VCV003872984.2).
Genomic context (GRCh38, chrX:10,459,707, plus strand): 5'-GTTTGTCTTCAACTTCCCAGGCTCACTGCTGCGGCTGCCCGCCTGGTTGATGGCCTTGAC[C>T]ATGAAGATGTACTTGGTGCCGCTCTGCAGACCGTGCACCGTGTAGTGGTTCTGCTTGATG-3'
Protein context (NP_000372.1, residues 452-472): GLQSGTKYIF[Met462Ile]VKAINQAGSR